The following is an entry in ClinVar:

ClinVar aggregate classification (germline): Likely benign (1 of 4 stars; one submission).

Conditions:
Familial cancer of breast. Also called: Hereditary breast cancer; BREAST CANCER, FAMILIAL; hereditary breast carcinoma. Identifiers: Orphanet 227535, MedGen C0346153, MONDO:0016419, OMIM 114480. Disease mechanism: loss of function.

Submission:

Myriad Genetics, Inc.
Classification: Likely benign for Familial cancer of breast. Last evaluated: 2024-10-03. Review status: criteria provided, single submitter. Criteria: Myriad Autosomal Dominant, Autosomal Recessive and X-Linked Classification Criteria (2023). Collection method: clinical testing. Allele origin: unknown.
Comment: This variant is considered likely benign. This variant is intronic and is not expected to impact mRNA splicing.

NM_007194.4(CHEK2):c.847-11C>T

Gene: CHEK2 (checkpoint kinase 2; minus strand). Cytogenetic location: 22q12.1.
Variant type: single nucleotide variant.
Coding change: c.847-11C>T on transcript NM_007194.4 (MANE Select); 11 bases into the intron before coding-DNA position 847, C replaced by T.
Molecular consequence: intron variant.
Genome position (GRCh38, 1-based): chr22:28,703,577, G>A on the plus strand (C>T on the coding strand, the complement: CHEK2 is on the minus strand). VCF-style: chr22-28703577-G-A. GRCh37 (hg19) VCF-style: chr22-29099565-G-A.
Other names: c.184-11C>T (NM_001437942.1, NM_001257387.3); c.646-11C>T (NM_001349956.3); c.847-11C>T (NM_145862.3); c.940-11C>T (NM_001438295.1, NM_001438293.1); c.976-11C>T (NM_001438294.1, NM_001005735.3).
Identifiers: ClinVar variation 3772781 (VCV003772781.1).